The following is an entry in ClinVar:

ClinVar aggregate classification (germline): Uncertain significance. Review status: criteria provided, multiple submitters, no conflicts (2 of 4 stars). 2 submissions from 2 submitters: Uncertain significance (2). Last evaluated 2025-11-23.

Conditions:
Spermatogenic failure 18. Identifiers: MedGen C4539783, MONDO:0054615, OMIM 617576.
Ciliary dyskinesia, primary, 37 (CILD37). Also called: CILIARY DYSKINESIA, PRIMARY, 37, WITH OR WITHOUT SITUS INVERSUS. Identifiers: MedGen C4539798, MONDO:0033204, OMIM 617577.

Allele frequency attached by ClinVar (database versions not stated): gnomAD exomes 0.00003; TOPMed 0.00002; ExAC 0.00003.
gnomAD v4.1: 15 of 1,613,012 alleles (0.00093%); highest among the groups gnomAD compares: Admixed American, 0.022%; no homozygotes.

Submissions (2):

Labcorp Genetics (formerly Invitae), Labcorp
Classification: Uncertain significance for Ciliary dyskinesia, primary, 37; Spermatogenic failure 18. Last evaluated: 2025-11-23. Review status: criteria provided, single submitter. Criteria: Invitae Variant Classification Sherloc (09022015). Collection method: clinical testing. Allele origin: germline.
Comment: This sequence change replaces serine, which is neutral and polar, with glycine, which is neutral and non-polar, at codon 1408 of the DNAH1 protein (p.Ser1408Gly). This variant is present in population databases (rs768030941, gnomAD 0.03%). This variant has not been reported in the literature in individuals affected with DNAH1-related conditions. ClinVar contains an entry for this variant (Variation ID: 2440901). Invitae Evidence Modeling of protein sequence and biophysical properties (such as structural, functional, and spatial information, amino acid conservation, physicochemical variation, residue mobility, and thermodynamic stability) indicates that this missense variant is expected to disrupt DNAH1 protein function with a positive predictive value of 80%. In summary, the available evidence is currently insufficient to determine the role of this variant in disease. Therefore, it has been classified as a Variant of Uncertain Significance.

Revvity Omics, Revvity
Classification: Uncertain significance. Last evaluated: 2021-09-06. Review status: criteria provided, single submitter. Criteria: ACMG Guidelines, 2015. Collection method: clinical testing. Allele origin: germline.

NM_015512.5(DNAH1):c.4222A>G (p.Ser1408Gly)

Gene: DNAH1 (dynein axonemal heavy chain 1; plus strand). Cytogenetic location: 3p21.1.
Variant type: single nucleotide variant.
Coding change: c.4222A>G on transcript NM_015512.5 (MANE Select); coding-DNA position 4222, A replaced by G.
Protein change: p.Ser1408Gly; replaces serine 1408 with glycine.
Molecular consequence: missense variant.
Genome position (GRCh38, 1-based): chr3:52,358,693, A>G. VCF-style: chr3-52358693-A-G. GRCh37 (hg19) VCF-style: chr3-52392709-A-G.
Other names: short protein forms S1408G.
Identifiers: ClinVar variation 2440901 (VCV002440901.4), dbSNP rs768030941, ClinGen allele CA2433843.
Genomic context (GRCh38, chr3:52,358,693, plus strand): 5'-ATCTACCCCTCCAGCAACGTGGAGGACTGGCTGCGGGAGGTGGAGCGCAGCATGAAGGCC[A>G]GTGTGCACGACATCATTGAGAAGGCCATCAGGGCCTACCCCACGGTGAGCCGCCCGCAGC-3'
Protein context (NP_056327.4, residues 1398-1418): LREVERSMKA[Ser1408Gly]VHDIIEKAIR